The following is an entry in ClinVar:

NM_001004356.3(FGFRL1):c.1463C>T (p.Thr488Ile)

Gene: FGFRL1 (fibroblast growth factor receptor like 1; plus strand). Cytogenetic location: 4p16.3.
Variant type: single nucleotide variant.
Coding change: c.1463C>T on transcript NM_001004356.3 (MANE Select); coding-DNA position 1463, C replaced by T.
Protein change: p.Thr488Ile; replaces threonine 488 with isoleucine.
Molecular consequence: missense variant.
Genome position (GRCh38, 1-based): chr4:1,025,295, C>T. VCF-style: chr4-1025295-C-T. GRCh37 (hg19) VCF-style: chr4-1019083-C-T.
Other names: c.1463C>T, p.Thr488Ile (NM_001004358.1, NM_001370296.1, NM_021923.3); short protein forms T488I.
Identifiers: ClinVar variation 1506634 (VCV001506634.8), dbSNP rs2153027533, ClinGen allele CA355936427.
Genomic context (GRCh38, chr4:1,025,295, plus strand): 5'-CTAAGTTGTACCCCAAACTCTACACAGACATCCACACACACACACACACACACTCTCACA[C>T]ACACTCACACGTGGAGGGCAAGGTCCACCAGCACATCCACTATCAGTGCTAGACGGCACC-3'
Protein context (NP_001004356.1, residues 478-498): IHTHTHTHSH[Thr488Ile]HSHVEGKVHQ

ClinVar aggregate classification (germline): Uncertain significance (1 of 4 stars; one submission).

Submission:

Labcorp Genetics (formerly Invitae), Labcorp
Classification: Uncertain significance. Last evaluated: 2024-01-17. Review status: criteria provided, single submitter. Criteria: Invitae Variant Classification Sherloc (09022015). Collection method: clinical testing. Allele origin: germline.
Comment: This sequence change replaces threonine, which is neutral and polar, with isoleucine, which is neutral and non-polar, at codon 488 of the FGFRL1 protein (p.Thr488Ile). This variant is not present in population databases (gnomAD no frequency). This variant has not been reported in the literature in individuals affected with FGFRL1-related conditions. ClinVar contains an entry for this variant (Variation ID: 1506634). Algorithms developed to predict the effect of missense changes on protein structure and function output the following: SIFT: "Not Available"; PolyPhen-2: "Possibly Damaging"; Align-GVGD: "Not Available". The isoleucine amino acid residue is found in multiple mammalian species, which suggests that this missense change does not adversely affect protein function. In summary, the available evidence is currently insufficient to determine the role of this variant in disease. Therefore, it has been classified as a Variant of Uncertain Significance.